The following is an entry in ClinVar:

ClinVar aggregate classification (germline): Uncertain significance (0 of 4 stars; one submission).

Conditions:
STAG2-related disorder. Also called: STAG2-Related Disorders.

Submission:

PreventionGenetics, part of Exact Sciences
Classification: Uncertain significance for STAG2-related condition. Last evaluated: 2024-05-14. Review status: no assertion criteria provided. Collection method: clinical testing. Allele origin: germline.
Comment: The STAG2 c.2406T>G variant is predicted to result in the amino acid substitution p.Ile802Met. To our knowledge, this variant has not been reported in the literature or in a large population database, indicating this variant is rare. At this time, the clinical significance of this variant is uncertain due to the absence of conclusive functional and genetic evidence.

NM_001042750.2(STAG2):c.2406T>G (p.Ile802Met)

Gene: STAG2 (STAG2 cohesin complex component; plus strand). Cytogenetic location: Xq25.
Variant type: single nucleotide variant.
Coding change: c.2406T>G on transcript NM_001042750.2 (MANE Select); coding-DNA position 2406, T replaced by G.
Protein change: p.Ile802Met; replaces isoleucine 802 with methionine.
Molecular consequence: missense variant.
Genome position (GRCh38, 1-based): chrX:124,071,196, T>G. VCF-style: chrX-124071196-T-G. GRCh37 (hg19) VCF-style: chrX-123205046-T-G.
Other names: c.2406T>G, p.Ile802Met (NM_001042749.2, NM_001042751.2, NM_001282418.2 and 13 more transcripts); short protein forms I802M.
Identifiers: ClinVar variation 3347477 (VCV003347477.1).